The following is an entry in ClinVar:

NM_001366145.2(TRPM3):c.5087G>A (p.Arg1696Gln)

Genes: KLF9-DT (KLF9 divergent transcript; plus strand), TRPM3 (transient receptor potential cation channel subfamily M member 3; minus strand). Cytogenetic location: 9q21.12.
Variant type: single nucleotide variant.
Coding change: c.5087G>A on transcript NM_001366145.2 (MANE Select); coding-DNA position 5087, G replaced by A.
Protein change: p.Arg1696Gln; replaces arginine 1696 with glutamine.
Molecular consequence: missense variant. On other transcripts: intron variant (8).
Genome position (GRCh38, 1-based): chr9:70,536,026, C>T on the plus strand (G>A on the coding strand, the complement: TRPM3 is on the minus strand). VCF-style: chr9-70536026-C-T. GRCh37 (hg19) VCF-style: chr9-73150942-C-T.
Other names: c.5162G>A, p.Arg1721Gln (NM_001366147.2); c.5057G>A, p.Arg1686Gln (NM_001366149.2, NM_001366141.2); c.4592G>A, p.Arg1531Gln (NM_020952.6); c.4628G>A, p.Arg1543Gln (NM_024971.7); c.4562G>A, p.Arg1521Gln (NM_206944.5); c.4598G>A, p.Arg1533Gln (NM_206945.5); c.4667G>A, p.Arg1556Gln (NM_206946.5); c.4637G>A, p.Arg1546Gln (NM_206947.5); and 10 more; short protein forms R1521Q, R1531Q, R1533Q, R1543Q, R1546Q, R1556Q, R1684Q, R1686Q.
Identifiers: ClinVar variation 1683759 (VCV001683759.3), dbSNP rs150876089, ClinGen allele CA5077678.

ClinVar aggregate classification (germline): Uncertain significance. Review status: criteria provided, multiple submitters, no conflicts (2 of 4 stars). 2 submissions from 2 submitters: Uncertain significance (2). Last evaluated 2024-12-06.

Conditions:
Intellectual disability. Also called: Intellectual developmental disorder; Intellectual functioning disability; intellectual disabilities. Identifiers: MedGen C3714756, MeSH D008607, MONDO:0001071, HP:0001249.
Epileptic encephalopathy. Identifiers: MedGen C0543888, HP:0200134.
Inborn genetic diseases. Identifiers: MedGen C0950123, MeSH D030342.

Allele frequency attached by ClinVar (database versions not stated): gnomAD exomes 0.00003 and 0.00002; gnomAD 0.00014 and 0.00015; TOPMed 0.00017; 1000 Genomes Project 30x 0.00047; ExAC 0.00005; ESP Exome Variant Server 0.00008; 1000 Genomes Project 0.00020.
gnomAD v4.1: 51 of 1,614,056 alleles (0.0032%); highest among the groups gnomAD compares: African/African-American, 0.039%; no homozygotes.

Submissions (2):

Ambry Genetics
Classification: Uncertain significance for Inborn genetic diseases. Last evaluated: 2024-12-06. Review status: criteria provided, single submitter. Criteria: Ambry Variant Classification Scheme 2023. Collection method: clinical testing. Allele origin: germline.

Laboratorio de Genetica e Diagnostico Molecular, Hospital Israelita Albert Einstein
Classification: Uncertain significance for Intellectual disability; epileptic encephalopathy. Last evaluated: 2021-11-30. Review status: criteria provided, single submitter. Criteria: ACMG Guidelines, 2015. Collection method: clinical testing. Allele origin: germline. Affected: yes.
Comment: ACMG classification criteria: PP2 supporting, BP4 supporting